The following is an entry in ClinVar:

NM_001368397.1(FRMPD4):c.1415T>A (p.Met472Lys)

Gene: FRMPD4 (FERM and PDZ domain containing 4; plus strand). Cytogenetic location: Xp22.2.
Variant type: single nucleotide variant.
Coding change: c.1415T>A on transcript NM_001368397.1 (MANE Select); coding-DNA position 1415, T replaced by A.
Protein change: p.Met472Lys; replaces methionine 472 with lysine.
Molecular consequence: missense variant.
Genome position (GRCh38, 1-based): chrX:12,707,596, T>A. VCF-style: chrX-12707596-T-A. GRCh37 (hg19) VCF-style: chrX-12725715-T-A.
Other names: c.1526T>A, p.Met509Lys (NM_001368395.3, NM_001368398.3); c.1421T>A, p.Met474Lys (NM_001368396.3); c.1406T>A, p.Met469Lys (NM_001368399.3); c.1295T>A, p.Met432Lys (NM_001368400.3); c.1391T>A, p.Met464Lys (NM_001368401.1, NM_001368402.3); c.1415T>A, p.Met472Lys (NM_014728.3); short protein forms M432K, M464K, M469K, M472K, M474K, M509K.
Identifiers: ClinVar variation 2662119 (VCV002662119.1), dbSNP rs2519817172, ClinGen allele CA412009412.

ClinVar aggregate classification (germline): Uncertain significance (1 of 4 stars; one submission).

Allele frequency attached by ClinVar (database versions not stated): gnomAD exomes below 0.00001.
gnomAD v4.1: 1 of 1,210,708 alleles (0.000083%); highest among the groups gnomAD compares: Non-Finnish European, 0.00011%; no homozygotes.

Submission:

GeneDx
Classification: Uncertain significance. Last evaluated: 2023-04-18. Review status: criteria provided, single submitter. Criteria: GeneDx Variant Classification Process June 2021. Collection method: clinical testing. Allele origin: germline. Affected: yes.
Comment: Not observed at significant frequency in large population cohorts (gnomAD); In silico analysis supports that this missense variant has a deleterious effect on protein structure/function; Has not been previously published as pathogenic or benign to our knowledge